The following is an entry in ClinVar:

NM_004813.4(PEX16):c.635C>T (p.Pro212Leu)

Gene: PEX16 (peroxisomal biogenesis factor 16; minus strand). Cytogenetic location: 11p11.2.
Variant type: single nucleotide variant.
Coding change: c.635C>T on transcript NM_004813.4 (MANE Select); coding-DNA position 635, C replaced by T.
Protein change: p.Pro212Leu; replaces proline 212 with leucine.
Molecular consequence: missense variant.
Genome position (GRCh38, 1-based): chr11:45,914,375, G>A on the plus strand (C>T on the coding strand, the complement: PEX16 is on the minus strand). VCF-style: chr11-45914375-G-A. GRCh37 (hg19) VCF-style: chr11-45935926-G-A.
Other names: c.635C>T, p.Pro212Leu (NM_057174.3); short protein forms P212L.
Identifiers: ClinVar variation 2125638 (VCV002125638.2), dbSNP rs201846257, ClinGen allele CA380227018.

ClinVar aggregate classification (germline): Uncertain significance (1 of 4 stars; one submission).

Conditions:
Peroxisome biogenesis disorder. Identifiers: Orphanet 79189, MedGen C1832200, MONDO:0019234. Disease mechanism: loss of function.

Submission:

Labcorp Genetics (formerly Invitae), Labcorp
Classification: Uncertain significance for Peroxisome biogenesis disorder. Last evaluated: 2022-04-12. Review status: criteria provided, single submitter. Criteria: Invitae Variant Classification Sherloc (09022015). Collection method: clinical testing. Allele origin: germline.
Comment: This sequence change replaces proline, which is neutral and non-polar, with leucine, which is neutral and non-polar, at codon 212 of the PEX16 protein (p.Pro212Leu). This variant is not present in population databases (gnomAD no frequency). This variant has not been reported in the literature in individuals affected with PEX16-related conditions. Algorithms developed to predict the effect of missense changes on protein structure and function are either unavailable or do not agree on the potential impact of this missense change (SIFT: "Deleterious"; PolyPhen-2: "Benign"; Align-GVGD: "Class C0"). In summary, the available evidence is currently insufficient to determine the role of this variant in disease. Therefore, it has been classified as a Variant of Uncertain Significance.